The following is an entry in ClinVar:

ClinVar aggregate classification (germline): Uncertain significance (1 of 4 stars; one submission).

Conditions:
Frontotemporal dementia and/or amyotrophic lateral sclerosis 1 (FTDALS1). Also called: C9orf72 Frontotemporal Dementia and/or Amyotrophic Lateral Sclerosis; Frontotemporal dementia with motor neuron disease 1. Identifiers: Orphanet 275872, MedGen C5779877, MONDO:0007105, OMIM 105550.
Paget disease of bone 2, early-onset (PDB2). Also called: Paget disease of bone 2. Identifiers: MedGen C4085251, MONDO:0011183, OMIM 602080.

Allele frequency attached by ClinVar (database versions not stated): gnomAD 0.00002; TOPMed 0.00002.
gnomAD v4.1: 20 of 1,613,520 alleles (0.0012%); highest among the groups gnomAD compares: East Asian, 0.0022%; no homozygotes.

Submission:

Labcorp Genetics (formerly Invitae), Labcorp
Classification: Uncertain significance for Paget disease of bone 2, early-onset; Frontotemporal dementia and/or amyotrophic lateral sclerosis 1. Last evaluated: 2025-12-01. Review status: criteria provided, single submitter. Criteria: Invitae Variant Classification Sherloc (09022015). Collection method: clinical testing. Allele origin: germline.
Comment: This sequence change replaces arginine, which is basic and polar, with cysteine, which is neutral and slightly polar, at codon 119 of the SQSTM1 protein (p.Arg119Cys). This variant is present in population databases (rs548787835, gnomAD 0.02%). This variant has not been reported in the literature in individuals affected with SQSTM1-related conditions. ClinVar contains an entry for this variant (Variation ID: 1478107). Invitae Evidence Modeling of protein sequence and biophysical properties (such as structural, functional, and spatial information, amino acid conservation, physicochemical variation, residue mobility, and thermodynamic stability) indicates that this missense variant is not expected to disrupt SQSTM1 protein function with a negative predictive value of 80%. In summary, the available evidence is currently insufficient to determine the role of this variant in disease. Therefore, it has been classified as a Variant of Uncertain Significance.

NM_003900.5(SQSTM1):c.355C>T (p.Arg119Cys)

Gene: SQSTM1 (sequestosome 1; plus strand). Cytogenetic location: 5q35.3.
Variant type: single nucleotide variant.
Coding change: c.355C>T on transcript NM_003900.5 (MANE Select); coding-DNA position 355, C replaced by T.
Protein change: p.Arg119Cys; replaces arginine 119 with cysteine.
Molecular consequence: missense variant.
Genome position (GRCh38, 1-based): chr5:179,823,911, C>T. VCF-style: chr5-179823911-C-T. GRCh37 (hg19) VCF-style: chr5-179250911-C-T.
Other names: c.103C>T, p.Arg35Cys (NM_001142298.2, NM_001142299.2); short protein forms R119C, R35C.
Identifiers: ClinVar variation 1478107 (VCV001478107.6), dbSNP rs548787835, ClinGen allele CA3600484.